The following is an entry in ClinVar:

ClinVar aggregate classification (germline): Uncertain significance (1 of 4 stars; one submission).

Conditions:
Cardiomyopathy (CMYO). Also called: Cardiomyopathies. Identifiers: Orphanet 167848, MedGen C0878544, MONDO:0004994, HP:0001638. Inheritance: Various modes of inheritance.

Allele frequency attached by ClinVar (database versions not stated): gnomAD exomes below 0.00001.
gnomAD v4.1: 2 of 1,614,098 alleles (0.00012%); highest among the groups gnomAD compares: South Asian, 0.0022%; 1 homozygote.

Submission:

Color Diagnostics, LLC DBA Color Health
Classification: Uncertain significance for Cardiomyopathy. Last evaluated: 2021-03-16. Review status: criteria provided, single submitter. Criteria: ACMG Guidelines, 2015. Collection method: clinical testing. Allele origin: germline.
Comment: This variant causes an A to T nucleotide substitution at the +4 position of intron 7 of the DSC2 gene. Splice prediction tools are inconclusive regarding the impact of this variant on RNA splicing. To our knowledge, functional studies have not been reported for this variant. This variant has not been reported in individuals affected with cardiovascular disorders in the literature. This variant has not been identified in the general population by the Genome Aggregation Database (gnomAD). The available evidence is insufficient to determine the role of this variant in disease conclusively. Therefore, this variant is classified as a Variant of Uncertain Significance.

NM_024422.6(DSC2):c.942+4A>T

Gene: DSC2 (desmocollin 2; minus strand). Cytogenetic location: 18q12.1.
Variant type: single nucleotide variant.
Coding change: c.942+4A>T on transcript NM_024422.6 (MANE Select); 4 bases into the intron after coding-DNA position 942, A replaced by T.
Molecular consequence: intron variant.
Genome position (GRCh38, 1-based): chr18:31,086,572, T>A on the plus strand (A>T on the coding strand, the complement: DSC2 is on the minus strand). VCF-style: chr18-31086572-T-A. GRCh37 (hg19) VCF-style: chr18-28666535-T-A.
Other names: c.942+4A>T (NM_004949.5).
Identifiers: ClinVar variation 1332111 (VCV001332111.2), dbSNP rs2144830120, ClinGen allele CA2573054641.